The following is an entry in ClinVar:

ClinVar aggregate classification (germline): Likely pathogenic (1 of 4 stars; one submission).

Conditions:
Hereditary cancer-predisposing syndrome. Also called: Tumor predisposition; Hereditary Cancer Syndrome; Neoplastic Syndromes, Hereditary; Hereditary neoplastic syndrome. Identifiers: Orphanet 140162, MedGen C0027672, MeSH D009386, MONDO:0015356.

Submission:

Ambry Genetics
Classification: Likely pathogenic for Hereditary cancer-predisposing syndrome. Last evaluated: 2020-01-06. Review status: criteria provided, single submitter. Criteria: Ambry Variant Classification Scheme 2023. Collection method: clinical testing. Allele origin: germline.
Comment: The c.2789_2796delACCCCGTCinsG variant, located in coding exon 17 of the PTCH1 gene, results from the deletion of 8 nucleotides and insertion of one nucleotide causing a translational frameshift with a predicted alternate stop codon (p.D930Gfs*30). This alteration is expected to result in loss of function by premature protein truncation or nonsense-mediated mRNA decay. Based on the majority of available evidence to date, this variant is likely to be pathogenic.

NM_000264.5(PTCH1):c.2789_2796delinsG (p.Asp930fs)

Gene: PTCH1 (patched 1; minus strand). Cytogenetic location: 9q22.32.
Variant type: Indel.
Coding change: c.2789_2796delinsG on transcript NM_000264.5 (MANE Select); coding-DNA positions 2789 to 2796, ACCCCGTC replaced by G.
Protein change: p.Asp930fs; shifts the reading frame from aspartic acid 930.
Molecular consequence: frameshift variant. On other transcripts: non-coding transcript variant (1).
Genome position (GRCh38, 1-based): chr9:95,459,691-95,459,698, GACGGGGT replaced by C on the plus strand (ACCCCGTC replaced by G on the coding strand, the reverse complement: PTCH1 is on the minus strand). VCF-style: chr9-95459691-GACGGGGT-C. GRCh37 (hg19) VCF-style: chr9-98221973-GACGGGGT-C.
Other names: c.2591_2598delinsG, p.Asp864fs (NM_001083602.3); c.2786_2793delinsG, p.Asp929fs (NM_001083603.3); c.2336_2343delinsG, p.Asp779fs (NM_001083604.3, NM_001083605.3, NM_001083606.3 and 1 more transcripts); c.2633_2640delinsG, p.Asp878fs (NM_001354918.2); short protein forms D779fs, D864fs, D878fs, D929fs, D930fs.
Identifiers: ClinVar variation 1796005 (VCV001796005.2), dbSNP rs2538079565, ClinGen allele CA2580080779.